The following is an entry in ClinVar:

ClinVar aggregate classification (germline): Uncertain significance. Review status: criteria provided, single submitter (1 of 4 stars). 2 submissions from 2 submitters: Uncertain significance (1). 1 of the submissions does not count toward it. Last evaluated 2025-12-08.

Conditions:
Finnish congenital nephrotic syndrome (NPHS1). Also called: NEPHROTIC SYNDROME, TYPE 1. Identifiers: Orphanet 839, MedGen C0403399, MONDO:0009732, OMIM 256300.

Allele frequency attached by ClinVar (database versions not stated): gnomAD exomes below 0.00001.
gnomAD v4.1: 1 of 1,609,642 alleles (0.000062%); highest among the groups gnomAD compares: Non-Finnish European, 0.000085%; no homozygotes.

Submissions (2):

Myriad Genetics, Inc.
Classification: Uncertain significance for Finnish congenital nephrotic syndrome. Last evaluated: 2025-12-08. Review status: criteria provided, single submitter. Criteria: Myriad Autosomal Dominant, Autosomal Recessive and X-Linked Classification Criteria (2023). Collection method: clinical testing. Allele origin: unknown.
Comment: NM_004646.3(NPHS1):c.886G>A(A296T) is a missense variant classified as a variant of uncertain significance in the context of nephrotic syndrome, NPHS1-related. A296T has not been observed in cases with relevant disease. Relevant functional assessments of this variant are not available in the literature. A296T has been observed in referenced population frequency databases. In summary, there is insufficient evidence to classify NM_004646.3(NPHS1):c.886G>A(A296T) as pathogenic or benign. Please note: this variant was assessed in the context of healthy population screening.

Juha Muilu Group; Institute for Molecular Medicine Finland (FIMM)
Classification: Likely pathogenic for Finnish congenital nephrotic syndrome. Review status: no assertion criteria provided. Collection method: not provided. Allele origin: unknown. Not counted in ClinVar's aggregate classification.
Comment: FinDis database variant: FinDis database variant: This variant was not found or characterized by our laboratory, data were collected from public sources: see reference
ClinVar note: Converted during submission from probable-pathogenic to Likely pathogenic.

NM_004646.4(NPHS1):c.886G>A (p.Ala296Thr)

Gene: NPHS1 (NPHS1 adhesion molecule, nephrin; minus strand). Cytogenetic location: 19q13.12.
Variant type: single nucleotide variant.
Coding change: c.886G>A on transcript NM_004646.4 (MANE Select); coding-DNA position 886, G replaced by A.
Protein change: p.Ala296Thr; replaces alanine 296 with threonine.
Molecular consequence: missense variant.
Genome position (GRCh38, 1-based): chr19:35,849,102, C>T on the plus strand (G>A on the coding strand, the complement: NPHS1 is on the minus strand). VCF-style: chr19-35849102-C-T. GRCh37 (hg19) VCF-style: chr19-36340004-C-T.
Other names: short protein forms A296T.
Identifiers: ClinVar variation 56524 (VCV000056524.3), dbSNP rs386833962, ClinGen allele CA250277.
Genomic context (GRCh38, chr19:35,849,102, plus strand): 5'-TGAGCTGCGCTCCATGGTCTTCTGGCCTCACGGTCATCACCAGCACACTGCGGGCCACCG[C>T]CTGGGTGTGCTCTGTGCCCCACGCTGTGGACACCGGCTGGCCATTCTGGAGACAGGGACA-3'
Protein context (NP_004637.1, residues 286-306): STAWGTEHTQ[Ala296Thr]VARSVLVMTV